The following is an entry in ClinVar:

NM_148919.4(PSMB8):c.636_643del (p.Asp212fs)

Gene: PSMB8 (proteasome 20S subunit beta 8; minus strand). Cytogenetic location: 6p21.32.
Variant type: Deletion.
Coding change: c.636_643del on transcript NM_148919.4 (MANE Select); coding-DNA positions 636 to 643, 8 bases deleted (CAGTGGCT; older notation c.636_643delCAGTGGCT).
Protein change: p.Asp212fs; shifts the reading frame from aspartic acid 212.
Molecular consequence: frameshift variant.
Genome position (GRCh38, 1-based): chr6:32,841,630-32,841,637, AGCCACTG deleted on the plus strand (CAGTGGCT on the coding strand, the reverse complement: PSMB8 is on the minus strand). VCF-style (leftmost placement, unchanged base first): chr6-32841629-TAGCCACTG-T. GRCh37 (hg19) VCF-style: chr6-32809406-TAGCCACTG-T.
Other names: c.624_631del, p.Asp208fs (NM_004159.5); short protein forms D208fs, D212fs.
Identifiers: ClinVar variation 3672941 (VCV003672941.2).

ClinVar aggregate classification (germline): Pathogenic (1 of 4 stars; one submission).

Conditions:
Proteosome-associated autoinflammatory syndrome. Also called: Proteasome-associated autoinflammatory syndrome. Identifiers: Orphanet 324977, MedGen C1850568, MONDO:0009726.

Submission:

Labcorp Genetics (formerly Invitae), Labcorp
Classification: Pathogenic for Proteosome-associated autoinflammatory syndrome. Last evaluated: 2024-07-08. Review status: criteria provided, single submitter. Criteria: Invitae Variant Classification Sherloc (09022015). Collection method: clinical testing. Allele origin: germline.
Comment: This sequence change creates a premature translational stop signal (p.Asp212Glufs*4) in the PSMB8 gene. It is expected to result in an absent or disrupted protein product. Loss-of-function variants in PSMB8 are known to be pathogenic (PMID: 26524591). This variant is not present in population databases (gnomAD no frequency). This variant has not been reported in the literature in individuals affected with PSMB8-related conditions. For these reasons, this variant has been classified as Pathogenic.

Literature cited by the submitters: PubMed 26524591.